The following is an entry in ClinVar:

ClinVar aggregate classification (germline): Benign/Likely benign. Review status: criteria provided, multiple submitters, no conflicts (2 of 4 stars). 4 submissions from 4 submitters: Benign (1); Likely benign (2). 1 of the submissions does not count toward it. Last evaluated 2026-04-28.

Conditions:
MLH3-related disorder. Also called: MLH3-related condition.
Colorectal cancer, hereditary nonpolyposis, type 7. Identifiers: Orphanet 144, MedGen C1858380, MONDO:0013725, OMIM 614385.

Allele frequency attached by ClinVar (database versions not stated): gnomAD exomes 0.00002 and 0.00001; ExAC 0.00003; gnomAD 0.00001; TOPMed 0.00003.
gnomAD v4.1: 12 of 1,614,128 alleles (0.00074%); highest among the groups gnomAD compares: Admixed American, 0.013%; no homozygotes.

Submissions (4):

Myriad Genetics, Inc.
Classification: Benign for Colorectal cancer, hereditary nonpolyposis, type 7. Last evaluated: 2026-04-28. Review status: criteria provided, single submitter. Criteria: Myriad Autosomal Dominant, Autosomal Recessive and X-Linked Classification Criteria (2023). Collection method: clinical testing. Allele origin: unknown.
Comment: This variant is considered benign. This variant is a silent/synonymous amino acid change and it is not expected to impact splicing.

Labcorp Genetics (formerly Invitae), Labcorp
Classification: Likely benign for Colorectal cancer, hereditary nonpolyposis, type 7. Last evaluated: 2024-04-14. Review status: criteria provided, single submitter. Criteria: Invitae Variant Classification Sherloc (09022015). Collection method: clinical testing. Allele origin: germline.

Ambry Genetics
Classification: Likely benign. Last evaluated: 2022-04-19. Review status: criteria provided, single submitter. Criteria: Ambry Variant Classification Scheme 2023. Collection method: clinical testing. Allele origin: germline.

PreventionGenetics, part of Exact Sciences
Classification: Likely benign for MLH3-related condition. Last evaluated: 2023-10-25. Review status: no assertion criteria provided. Collection method: clinical testing. Allele origin: germline. Not counted in ClinVar's aggregate classification.
Comment: This variant is classified as likely benign based on ACMG/AMP sequence variant interpretation guidelines (Richards et al. 2015 PMID: 25741868, with internal and published modifications).

NM_001040108.2(MLH3):c.126T>G (p.Ala42=)

Gene: MLH3 (mutL homolog 3; minus strand). Cytogenetic location: 14q24.3.
Variant type: single nucleotide variant.
Coding change: c.126T>G on transcript NM_001040108.2 (MANE Select); coding-DNA position 126, T replaced by G.
Protein change: p.Ala42=; no amino-acid change (alanine 42 retained).
Molecular consequence: synonymous variant.
Genome position (GRCh38, 1-based): chr14:75,049,530, A>C on the plus strand (T>G on the coding strand, the complement: MLH3 is on the minus strand). VCF-style: chr14-75049530-A-C. GRCh37 (hg19) VCF-style: chr14-75516233-A-C.
Other names: c.126T>G, p.Ala42= (NM_014381.3).
Identifiers: ClinVar variation 1567898 (VCV001567898.13), dbSNP rs556487716, ClinGen allele CA7276092.